The following is an entry in ClinVar:

NM_001199267.2(DGKZ):c.162-614C>G

Gene: DGKZ (diacylglycerol kinase zeta; plus strand). Cytogenetic location: 11p11.2.
Variant type: single nucleotide variant.
Coding change: c.162-614C>G on transcript NM_001199267.2 (MANE Select); 614 bases into the intron before coding-DNA position 162, C replaced by G.
Molecular consequence: intron variant. On other transcripts: missense variant (1).
Genome position (GRCh38, 1-based): chr11:46,366,677, C>G. VCF-style: chr11-46366677-C-G. GRCh37 (hg19) VCF-style: chr11-46388227-C-G.
Other names: c.421C>G, p.Pro141Ala (NM_001105540.2); c.213-614C>G (NM_201532.3); c.177-614C>G (NM_201533.3); c.162-614C>G (NM_001199266.2, NM_003646.4, NM_001199268.2); c.421C>G (NM_001105540.1); short protein forms P141A.
Identifiers: ClinVar variation 1481246 (VCV001481246.7), dbSNP rs752886810, ClinGen allele CA5962154.

ClinVar aggregate classification (germline): Uncertain significance. Review status: criteria provided, multiple submitters, no conflicts (2 of 4 stars). 2 submissions from 2 submitters: Uncertain significance (2). Last evaluated 2024-06-26.

Allele frequency attached by ClinVar (database versions not stated): TOPMed below 0.00001; ExAC 0.00003.
gnomAD v4.1: 1 of 1,582,030 alleles (0.000063%); no homozygotes.

Submissions (2):

Ambry Genetics
Classification: Uncertain significance. Last evaluated: 2024-06-26. Review status: criteria provided, single submitter. Criteria: Ambry Variant Classification Scheme 2023. Collection method: clinical testing. Allele origin: germline.

Labcorp Genetics (formerly Invitae), Labcorp
Classification: Uncertain significance. Last evaluated: 2023-06-10. Review status: criteria provided, single submitter. Criteria: Invitae Variant Classification Sherloc (09022015). Collection method: clinical testing. Allele origin: germline.
Comment: In summary, the available evidence is currently insufficient to determine the role of this variant in disease. Therefore, it has been classified as a Variant of Uncertain Significance. Algorithms developed to predict the effect of missense changes on protein structure and function output the following: SIFT: "Not Available"; PolyPhen-2: "Benign"; Align-GVGD: "Not Available". The alanine amino acid residue is found in multiple mammalian species, which suggests that this missense change does not adversely affect protein function. ClinVar contains an entry for this variant (Variation ID: 1481246). This variant has not been reported in the literature in individuals affected with DGKZ-related conditions. This variant is present in population databases (rs752886810, gnomAD no frequency). This sequence change replaces proline, which is neutral and non-polar, with alanine, which is neutral and non-polar, at codon 141 of the DGKZ protein (p.Pro141Ala).